The following is an entry in ClinVar:

ClinVar aggregate classification (germline): Uncertain significance (1 of 4 stars; one submission).

Conditions:
Spinocerebellar ataxia 45. Identifiers: Orphanet 589527, MedGen C4540400, MONDO:0033480, OMIM 617769.

Allele frequency attached by ClinVar (database versions not stated): gnomAD 0.00001; gnomAD exomes 0.00001; TOPMed 0.00001.
gnomAD v4.1: 21 of 1,614,086 alleles (0.0013%); highest among the groups gnomAD compares: Non-Finnish European, 0.0018%; no homozygotes.

Submission:

Johns Hopkins Genomics, Johns Hopkins University
Classification: Uncertain significance for Spinocerebellar ataxia 45. Last evaluated: 2020-05-11. Review status: criteria provided, single submitter. Criteria: ACMG Guidelines, 2015. Collection method: clinical testing. Allele origin: germline.
Comment: This FAT2 variant is absent from a large population dataset, and has not been reported in the literature to our knowledge. Two bioinformatic tools queried predict that p.Ala3993Val would be benign, and the alanine residue at this position is weakly conserved across the species assessed. Additionally, bioinformatic analysis predicts that this variant would not affect normal exon 21 splicing, although this has not been confirmed experimentally to our knowledge. This substitution occurs in the second EGF-like domain of the FAT2 protein10. Due to insufficient evidence, we consider the clinical significance of c.11978C>T to be uncertain at this time.

Literature cited by the submitters: PubMed 20301317; PubMed 29053796; PubMed 29847346.

NM_001447.3(FAT2):c.11978C>T (p.Ala3993Val)

Genes: FAT2 (FAT atypical cadherin 2; minus strand), SLC36A1 (solute carrier family 36 member 1; plus strand). Cytogenetic location: 5q33.1.
Variant type: single nucleotide variant.
Coding change: c.11978C>T on transcript NM_001447.3 (MANE Select); coding-DNA position 11978, C replaced by T.
Protein change: p.Ala3993Val; replaces alanine 3993 with valine.
Molecular consequence: missense variant.
Genome position (GRCh38, 1-based): chr5:151,510,102, G>A on the plus strand (C>T on the coding strand, the complement: FAT2 is on the minus strand). VCF-style: chr5-151510102-G-A. GRCh37 (hg19) VCF-style: chr5-150889663-G-A.
Other names: short protein forms A3993V.
Identifiers: ClinVar variation 973877 (VCV000973877.1), dbSNP rs748005307, ClinGen allele CA129920975.